The following is an entry in ClinVar:

NM_001029896.2(WDR45):c.347dup (p.Ile117fs)

Gene: WDR45 (WD repeat domain 45; minus strand). Cytogenetic location: Xp11.23.
Variant type: Duplication.
Coding change: c.347dup on transcript NM_001029896.2 (MANE Select); coding-DNA position 347, one base duplicated (T; older notation c.347dupT).
Protein change: p.Ile117fs; shifts the reading frame from isoleucine 117.
Molecular consequence: frameshift variant.
Genome position (GRCh38, 1-based): chrX:49,076,519, A duplicated on the plus strand (T on the coding strand, the reverse complement: WDR45 is on the minus strand). VCF-style (leftmost placement, unchanged base first): chrX-49076518-C-CA. GRCh37 (hg19) VCF-style: chrX-48934177-C-CA.
Other names: c.350dup, p.Ile118fs (NM_007075.4); short protein forms I117fs, I118fs.
Identifiers: ClinVar variation 3896752 (VCV003896752.1).

ClinVar aggregate classification (germline): Likely pathogenic (1 of 4 stars; one submission).

Conditions:
Neurodegeneration with brain iron accumulation 5 (NBIA5). Also called: Beta-propeller protein-associated neurodegeneration; STATIC ENCEPHALOPATHY OF CHILDHOOD WITH NEURODEGENERATION IN ADULTHOOD. Identifiers: Orphanet 329284, MedGen C3550973, MONDO:0010476, OMIM 300894.

Submission:

Department of Human Genetics, Hannover Medical School
Classification: Likely pathogenic for Neurodegeneration with brain iron accumulation 5. Last evaluated: 2025-05-06. Review status: criteria provided, single submitter. Criteria: ACMG Guidelines, 2015. Collection method: clinical testing. Allele origin: germline. Affected: yes.
Comment: ACMG: PVS1, PM2_Supporting